The following is an entry in ClinVar:

NM_000441.2(SLC26A4):c.422T>C (p.Phe141Ser)

Gene: SLC26A4 (solute carrier family 26 member 4; plus strand). Cytogenetic location: 7q22.3.
Variant type: single nucleotide variant.
Coding change: c.422T>C on transcript NM_000441.2 (MANE Select); coding-DNA position 422, T replaced by C.
Protein change: p.Phe141Ser; replaces phenylalanine 141 with serine.
Molecular consequence: missense variant.
Genome position (GRCh38, 1-based): chr7:107,674,170, T>C. VCF-style: chr7-107674170-T-C. GRCh37 (hg19) VCF-style: chr7-107314615-T-C.
Other names: short protein forms F141S.
Identifiers: ClinVar variation 2136588 (VCV002136588.5), dbSNP rs2535296240, ClinGen allele CA368847802.

ClinVar aggregate classification (germline): Pathogenic/Likely pathogenic. Review status: criteria provided, multiple submitters, no conflicts (2 of 4 stars). 2 submissions from 2 submitters: Pathogenic (1); Likely pathogenic (1). Last evaluated 2025-12-18.

Conditions:
Pendred syndrome (PDS). Also called: THYROID DYSHORMONOGENESIS 2B; THYROID HORMONOGENESIS, GENETIC DEFECT IN, 2B; DEAFNESS WITH GOITER; Pendred Syndrome (PDS); GOITER-DEAFNESS SYNDROME; HYPOTHYROIDISM, CONGENITAL, DUE TO DYSHORMONOGENESIS, 2B. Identifiers: Orphanet 705, MedGen C0271829, MONDO:0010134, OMIM 274600.

Submissions (2):

Women's Health and Genetics/Laboratory Corporation of America, LabCorp
Classification: Likely pathogenic for Pendred syndrome. Last evaluated: 2025-12-18. Review status: criteria provided, single submitter. Criteria: LabCorp Variant Classification Summary - May 2015. Collection method: clinical testing. Allele origin: germline.
Comment: Variant summary: SLC26A4 c.422T>C (p.Phe141Ser) results in a non-conservative amino acid change in the encoded protein sequence. Algorithms developed to predict the effect of missense changes on protein structure and function all suggest that this variant is likely to be disruptive. The variant was absent in 251462 control chromosomes. c.422T>C has been observed at a compound heterozygous state with three different secondary pathogenic variants in at-least three individuals affected with autosomal recessive deafness with enlarged vestibular aqueduct (examples, Chen_2014, Huang_2023, Liu_2016). These data indicate that the variant may be associated with disease. To our knowledge, no experimental evidence demonstrating an impact on protein function has been reported. The following publications have been ascertained in the context of this evaluation (PMID: 24612839, 37745850, 27997596). ClinVar contains an entry for this variant (Variation ID: 2136588). Based on the evidence outlined above, the variant was classified as likely pathogenic.

Labcorp Genetics (formerly Invitae), Labcorp
Classification: Pathogenic. Last evaluated: 2023-11-10. Review status: criteria provided, single submitter. Criteria: Invitae Variant Classification Sherloc (09022015). Collection method: clinical testing. Allele origin: germline.
Comment: This sequence change replaces phenylalanine, which is neutral and non-polar, with serine, which is neutral and polar, at codon 141 of the SLC26A4 protein (p.Phe141Ser). This variant is not present in population databases (gnomAD no frequency). This missense change has been observed in individual(s) with hearing loss and enlarged vestibular aqueduct (PMID: 24612839, 27997596). In at least one individual the data is consistent with being in trans (on the opposite chromosome) from a pathogenic variant. ClinVar contains an entry for this variant (Variation ID: 2136588). Advanced modeling of protein sequence and biophysical properties (such as structural, functional, and spatial information, amino acid conservation, physicochemical variation, residue mobility, and thermodynamic stability) performed at Invitae indicates that this missense variant is expected to disrupt SLC26A4 protein function with a positive predictive value of 95%. For these reasons, this variant has been classified as Pathogenic.

Literature cited by the submitters: PubMed 24612839 (cited by Women's Health and Genetics/Laboratory Corporation of America, LabCorp and Labcorp Genetics (formerly Invitae), Labcorp); PubMed 27997596 (cited by Women's Health and Genetics/Laboratory Corporation of America, LabCorp and Labcorp Genetics (formerly Invitae), Labcorp); PubMed 37745850 (cited by Women's Health and Genetics/Laboratory Corporation of America, LabCorp).